The following is an entry in ClinVar:

ClinVar aggregate classification (germline): Uncertain significance (1 of 4 stars; one submission).

gnomAD v4.1: 1 of 1,614,222 alleles (0.000062%); highest among the groups gnomAD compares: Non-Finnish European, 0.000085%; no homozygotes.

Submission:

GeneDx
Classification: Uncertain significance. Last evaluated: 2024-12-16. Review status: criteria provided, single submitter. Criteria: GeneDx Variant Classification Process June 2021. Collection method: clinical testing. Allele origin: germline. Affected: yes.
Comment: Has not been previously published as pathogenic or benign to our knowledge

NM_000540.3(RYR1):c.3233A>C (p.Lys1078Thr)

Gene: RYR1 (ryanodine receptor 1; plus strand). Cytogenetic location: 19q13.2.
Variant type: single nucleotide variant.
Coding change: c.3233A>C on transcript NM_000540.3 (MANE Select); coding-DNA position 3233, A replaced by C.
Protein change: p.Lys1078Thr; replaces lysine 1078 with threonine.
Molecular consequence: missense variant.
Genome position (GRCh38, 1-based): chr19:38,467,664, A>C. VCF-style: chr19-38467664-A-C. GRCh37 (hg19) VCF-style: chr19-38958304-A-C.
Other names: c.3233A>C, p.Lys1078Thr (NM_001042723.2); short protein forms K1078T.
Identifiers: ClinVar variation 3903142 (VCV003903142.1).